The following is an entry in ClinVar:

ClinVar aggregate classification (germline): Uncertain significance. Review status: criteria provided, multiple submitters, no conflicts (2 of 4 stars). 3 submissions from 3 submitters: Uncertain significance (3). Last evaluated 2025-09-16.

Conditions:
Hereditary cancer-predisposing syndrome. Also called: Neoplastic Syndromes, Hereditary; Tumor predisposition; Hereditary Cancer Syndrome; Hereditary neoplastic syndrome. Identifiers: Orphanet 140162, MedGen C0027672, MeSH D009386, MONDO:0015356.
Retinoblastoma (RB1). Also called: RETINOBLASTOMA, SOMATIC. Identifiers: Orphanet 790, MedGen C0035335, MeSH D012175, MONDO:0008380, OMIM 180200, HP:0009919. Disease mechanism: loss of function. Inheritance: Both sporadic and heritable forms are tested..

gnomAD v4.1: 14 of 1,613,464 alleles (0.00087%); highest among the groups gnomAD compares: Non-Finnish European, 0.0012%; no homozygotes.

Submissions (3):

Labcorp Genetics (formerly Invitae), Labcorp
Classification: Uncertain significance for Retinoblastoma. Last evaluated: 2025-09-16. Review status: criteria provided, single submitter. Criteria: Invitae Variant Classification Sherloc (09022015). Collection method: clinical testing. Allele origin: germline.
Comment: This sequence change replaces cysteine, which is neutral and slightly polar, with glycine, which is neutral and non-polar, at codon 853 of the RB1 protein (p.Cys853Gly). This variant is not present in population databases (gnomAD no frequency). This variant has not been reported in the literature in individuals affected with RB1-related conditions. ClinVar contains an entry for this variant (Variation ID: 821488). Invitae Evidence Modeling of protein sequence and biophysical properties (such as structural, functional, and spatial information, amino acid conservation, physicochemical variation, residue mobility, and thermodynamic stability) indicates that this missense variant is not expected to disrupt RB1 protein function with a negative predictive value of 80%. In summary, the available evidence is currently insufficient to determine the role of this variant in disease. Therefore, it has been classified as a Variant of Uncertain Significance.

Ambry Genetics
Classification: Uncertain significance for Hereditary cancer-predisposing syndrome. Last evaluated: 2025-05-15. Review status: criteria provided, single submitter. Criteria: Ambry Variant Classification Scheme 2023. Collection method: clinical testing. Allele origin: germline.
Comment: The p.C853G variant (also known as c.2557T>G), located in coding exon 25 of the RB1 gene, results from a T to G substitution at nucleotide position 2557. The cysteine at codon 853 is replaced by glycine, an amino acid with highly dissimilar properties. This alteration was detected in a cohort of unrelated Brazilian individuals with breast cancer (Sandoval RL et al. PLoS One, 2021 Feb;16:e0247363).This amino acid position is well conserved in available vertebrate species. In addition, this alteration is predicted to be tolerated by in silico analysis. Since supporting evidence is limited at this time, the clinical significance of this alteration remains unclear.

All of Us Research Program, National Institutes of Health
Classification: Uncertain significance for Retinoblastoma. Last evaluated: 2023-06-26. Review status: criteria provided, single submitter. Criteria: ACMG Guidelines, 2015. Collection method: clinical testing. Allele origin: germline. Inheritance: Autosomal dominant inheritance. Observed: 1 variant allele, 1 heterozygote.
Comment: This missense variant replaces cysteine with glycine at codon 853 of the RB1 protein. Computational prediction suggests that this variant may not impact protein structure and function (internally defined REVEL score threshold <= 0.5, PMID: 27666373). To our knowledge, functional studies have not been reported for this variant. This variant has not been reported in individuals affected with RB1-related disorders in the literature. This variant has not been identified in the general population by the Genome Aggregation Database (gnomAD). The available evidence is insufficient to determine the role of this variant in disease conclusively. Therefore, this variant is classified as a Variant of Uncertain Significance.

This study involves interpretation of variants in research participants for the purpose of population health screening. Participant phenotype was not available at the time of variant classification. Additional details can be found in publication PMID: 35346344, PMCID: PMC8962531

Literature cited by the submitters: PubMed 33606809 (cited by Ambry Genetics).

NM_000321.3(RB1):c.2557T>G (p.Cys853Gly)

Gene: RB1 (RB transcriptional corepressor 1; plus strand). Cytogenetic location: 13q14.2.
Variant type: single nucleotide variant.
Coding change: c.2557T>G on transcript NM_000321.3 (MANE Select); coding-DNA position 2557, T replaced by G.
Protein change: p.Cys853Gly; replaces cysteine 853 with glycine.
Molecular consequence: missense variant.
Genome position (GRCh38, 1-based): chr13:48,476,737, T>G. VCF-style: chr13-48476737-T-G. GRCh37 (hg19) VCF-style: chr13-49050873-T-G.
Other names: short protein forms C853G.
Identifiers: ClinVar variation 821488 (VCV000821488.9), dbSNP rs1295589257, ClinGen allele CA388168268.
Genomic context (GRCh38, chr13:48,476,737, plus strand): 5'-AGTAAAGAATTCTGTAATTTGTAGACTTCTGAGAAGTTCCAGAAAATAAATCAGATGGTA[T>G]GTAACAGCGACCGTGTGCTCAAAAGAAGTGCTGAAGGAAGCAACCCTCCTAAACCACTGA-3'
Protein context (NP_000312.2, residues 843-863): EKFQKINQMV[Cys853Gly]NSDRVLKRSA